The following is an entry in ClinVar:

ClinVar aggregate classification (germline): Uncertain significance. Review status: criteria provided, multiple submitters, no conflicts (2 of 4 stars). 4 submissions from 4 submitters: Uncertain significance (4). Last evaluated 2025-05-30.

Conditions:
Inborn genetic diseases. Identifiers: MedGen C0950123, MeSH D030342.
Retinitis pigmentosa 75 (RP75). Identifiers: Orphanet 791, MedGen C4310759, MONDO:0014871, OMIM 617023.

Allele frequency attached by ClinVar (database versions not stated): ExAC 0.00001; gnomAD exomes 0.00001; gnomAD 0.00002; TOPMed 0.00003.
gnomAD v4.1: 12 of 1,614,110 alleles (0.00074%); highest among the groups gnomAD compares: Middle Eastern, 0.016%; no homozygotes.

Submissions (4):

Ambry Genetics
Classification: Uncertain significance for Inborn genetic diseases. Last evaluated: 2025-05-30. Review status: criteria provided, single submitter. Criteria: Ambry Variant Classification Scheme 2023. Collection method: clinical testing. Allele origin: germline.

Labcorp Genetics (formerly Invitae), Labcorp
Classification: Uncertain significance. Last evaluated: 2022-02-03. Review status: criteria provided, single submitter. Criteria: Invitae Variant Classification Sherloc (09022015). Collection method: clinical testing. Allele origin: germline.
Comment: In summary, the available evidence is currently insufficient to determine the role of this variant in disease. Therefore, it has been classified as a Variant of Uncertain Significance. Algorithms developed to predict the effect of missense changes on protein structure and function (SIFT, PolyPhen-2, Align-GVGD) all suggest that this variant is likely to be tolerated. ClinVar contains an entry for this variant (Variation ID: 1007408). This variant has not been reported in the literature in individuals affected with AGBL5-related conditions. This variant is present in population databases (rs768632393, gnomAD 0.003%). This sequence change replaces glutamine, which is neutral and polar, with lysine, which is basic and polar, at codon 868 of the AGBL5 protein (p.Gln868Lys).

Blueprint Genetics
Classification: Uncertain significance. Last evaluated: 2021-06-11. Review status: criteria provided, single submitter. Criteria: ACMG Guidelines, 2015. Collection method: clinical testing. Allele origin: germline.

Revvity Omics, Revvity
Classification: Uncertain significance for Retinitis pigmentosa 75. Last evaluated: 2021-03-02. Review status: criteria provided, single submitter. Criteria: ACMG Guidelines, 2015. Collection method: clinical testing. Allele origin: germline.

NM_021831.6(AGBL5):c.2602C>A (p.Gln868Lys)

Gene: AGBL5 (AGBL carboxypeptidase 5; plus strand). Cytogenetic location: 2p23.3.
Variant type: single nucleotide variant.
Coding change: c.2602C>A on transcript NM_021831.6 (MANE Select); coding-DNA position 2602, C replaced by A.
Protein change: p.Gln868Lys; replaces glutamine 868 with lysine.
Molecular consequence: missense variant. On other transcripts: non-coding transcript variant (2).
Genome position (GRCh38, 1-based): chr2:27,070,204, C>A. VCF-style: chr2-27070204-C-A. GRCh37 (hg19) VCF-style: chr2-27293072-C-A.
Other names: c.2602C>A (NM_021831.5); short protein forms Q868K.
Identifiers: ClinVar variation 1007408 (VCV001007408.11), dbSNP rs768632393, ClinGen allele CA1568309.